The following is an entry in ClinVar:

ClinVar aggregate classification (germline): Likely benign (0 of 4 stars; one submission).

Conditions:
EPPK1-related disorder. Also called: EPPK1-related condition.

Allele frequency attached by ClinVar (database versions not stated): ExAC 0.00002; TOPMed 0.00011; gnomAD 0.00013; ESP Exome Variant Server 0.00016; 1000 Genomes Project 0.00020; 1000 Genomes Project 30x 0.00031.
gnomAD v4.1: 74 of 1,613,648 alleles (0.0046%); highest among the groups gnomAD compares: African/African-American, 0.053%; 1 homozygote.

Submission:

PreventionGenetics, part of Exact Sciences
Classification: Likely benign for EPPK1-related condition. Last evaluated: 2023-07-16. Review status: no assertion criteria provided. Collection method: clinical testing. Allele origin: germline.
Comment: This variant is classified as likely benign based on ACMG/AMP sequence variant interpretation guidelines (Richards et al. 2015 PMID: 25741868, with internal and published modifications).

NM_031308.4(EPPK1):c.5316C>T (p.Ala1772=)

Gene: EPPK1 (epiplakin 1; minus strand). Cytogenetic location: 8q24.3.
Variant type: single nucleotide variant.
Coding change: c.5316C>T on transcript NM_031308.4 (MANE Select); coding-DNA position 5316, C replaced by T.
Protein change: p.Ala1772=; no amino-acid change (alanine 1772 retained).
Molecular consequence: synonymous variant.
Genome position (GRCh38, 1-based): chr8:143,867,938, G>A on the plus strand (C>T on the coding strand, the complement: EPPK1 is on the minus strand). VCF-style: chr8-143867938-G-A. GRCh37 (hg19) VCF-style: chr8-144942106-G-A.
Identifiers: ClinVar variation 3036036 (VCV003036036.2), dbSNP rs111341821, ClinGen allele CA4922171.